The following is an entry in ClinVar:

NM_207627.2(ABCG1):c.12G>A (p.Thr4=)

Gene: ABCG1 (ATP binding cassette subfamily G member 1; plus strand). Cytogenetic location: 21q22.3.
Variant type: single nucleotide variant.
Coding change: c.12G>A on transcript NM_207627.2; coding-DNA position 12, G replaced by A.
Protein change: p.Thr4=; no amino-acid change (threonine 4 retained).
Molecular consequence: synonymous variant. On other transcripts: 5 prime UTR variant (1).
Genome position (GRCh38, 1-based): chr21:42,201,687, G>A. VCF-style: chr21-42201687-G-A. GRCh37 (hg19) VCF-style: chr21-43621797-G-A.
Other names: c.-102G>A (NM_207628.1).
Identifiers: ClinVar variation 3035683 (VCV003035683.2), dbSNP rs200084430, ClinGen allele CA10040756.
Genomic context (GRCh38, chr21:42,201,687, plus strand): 5'-GCTCAGCAGACATCAGGGATCACCGACTCTGTGCCAGGAGCTGTTCTTGATGCTGGGAAC[G>A]CAGGGGTGGACAAAACAGAGAAAGCCCTGCCCTCAGGTGTGGTCAGAAGAGACAGGGAAG-3'

ClinVar aggregate classification (germline): Benign (0 of 4 stars; one submission).

Conditions:
ABCG1-related disorder. Also called: ABCG1-related condition.

Allele frequency attached by ClinVar (database versions not stated): gnomAD exomes 0.00043; ExAC 0.00123; gnomAD 0.00300; 1000 Genomes Project 0.00319; ESP Exome Variant Server 0.00339; 1000 Genomes Project 30x 0.00344.
gnomAD v4.1: 1,125 of 1,613,366 alleles (0.07%); highest among the groups gnomAD compares: African/African-American, 0.97%; 2 homozygotes.

Submission:

PreventionGenetics, part of Exact Sciences
Classification: Benign for ABCG1-related condition. Last evaluated: 2019-12-06. Review status: no assertion criteria provided. Collection method: clinical testing. Allele origin: germline.
Comment: This variant is classified as benign based on ACMG/AMP sequence variant interpretation guidelines (Richards et al. 2015 PMID: 25741868, with internal and published modifications).